The following is an entry in ClinVar:

ClinVar aggregate classification (germline): Uncertain significance (1 of 4 stars; one submission).

Conditions:
Mendelian susceptibility to mycobacterial diseases due to complete IL12RB1 deficiency. Also called: Immunodeficiency 30; IL12RB1 DEFICIENCY. Identifiers: Orphanet 319552, MedGen C4013949, MONDO:0013955, OMIM 614891.

Allele frequency attached by ClinVar (database versions not stated): TOPMed 0.00002; gnomAD exomes 0.00005 and 0.00006; ExAC 0.00006; gnomAD 0.00011; ESP Exome Variant Server 0.00015.
gnomAD v4.1: 108 of 1,614,004 alleles (0.0067%); highest among the groups gnomAD compares: Non-Finnish European, 0.0088%; no homozygotes.

Submission:

Labcorp Genetics (formerly Invitae), Labcorp
Classification: Uncertain significance for Mendelian susceptibility to mycobacterial diseases due to complete IL12RB1 deficiency. Last evaluated: 2026-01-15. Review status: criteria provided, single submitter. Criteria: Invitae Variant Classification Sherloc (09022015). Collection method: clinical testing. Allele origin: germline.
Comment: This sequence change replaces serine, which is neutral and polar, with proline, which is neutral and non-polar, at codon 320 of the IL12RB1 protein (p.Ser320Pro). This variant is present in population databases (rs141507253, gnomAD 0.02%). This missense change has been observed in individual(s) with atopic dermatitis with increased susceptibility to eczema herpeticum (PMID: 26343451). ClinVar contains an entry for this variant (Variation ID: 1007783). An algorithm developed to predict the effect of missense changes on protein structure and function outputs the following: PolyPhen-2: "Benign". The proline amino acid residue is found in multiple mammalian species, which suggests that this missense change does not adversely affect protein function. In summary, the available evidence is currently insufficient to determine the role of this variant in disease. Therefore, it has been classified as a Variant of Uncertain Significance.

Literature cited by the submitters: PubMed 26343451.

NM_005535.3(IL12RB1):c.958T>C (p.Ser320Pro)

Gene: IL12RB1 (interleukin 12 receptor subunit beta 1; minus strand). Cytogenetic location: 19p13.11.
Variant type: single nucleotide variant.
Coding change: c.958T>C on transcript NM_005535.3 (MANE Select); coding-DNA position 958, T replaced by C.
Protein change: p.Ser320Pro; replaces serine 320 with proline.
Molecular consequence: missense variant.
Genome position (GRCh38, 1-based): chr19:18,072,175, A>G on the plus strand (T>C on the coding strand, the complement: IL12RB1 is on the minus strand). VCF-style: chr19-18072175-A-G. GRCh37 (hg19) VCF-style: chr19-18182985-A-G.
Other names: c.958T>C, p.Ser320Pro (NM_001290023.2, NM_153701.3); c.1078T>C, p.Ser360Pro (NM_001290024.2); short protein forms S320P, S360P.
Identifiers: ClinVar variation 1007783 (VCV001007783.7), dbSNP rs141507253, ClinGen allele CA9305024.
Genomic context (GRCh38, chr19:18,072,175, plus strand): 5'-TGTGGGTGTCGGCAGGAATGTGCCACGTCTGGTTCAGGCCAGGACCAAATTGGTTCGAGG[A>G]GATGACAGCCACGTTGTAGGCAGCACCCGAGAGATAGGGCATCTTCCCCAGGTGCAGGGT-3'
Protein context (NP_005526.1, residues 310-330): SGAAYNVAVI[Ser320Pro]SNQFGPGLNQ